The following is an entry in ClinVar:

NM_144596.4(TTC8):c.415A>G (p.Ile139Val)

Gene: TTC8 (tetratricopeptide repeat domain 8; plus strand). Cytogenetic location: 14q31.3.
Variant type: single nucleotide variant.
Coding change: c.415A>G on transcript NM_144596.4 (MANE Select); coding-DNA position 415, A replaced by G.
Protein change: p.Ile139Val; replaces isoleucine 139 with valine.
Molecular consequence: missense variant. On other transcripts: 5 prime UTR variant (2), non-coding transcript variant (1).
Genome position (GRCh38, 1-based): chr14:88,841,122, A>G. VCF-style: chr14-88841122-A-G. GRCh37 (hg19) VCF-style: chr14-89307466-A-G.
Other names: c.385A>G (NM_198309.2); c.385A>G, p.Ile129Val (NM_001288781.1, NM_001366535.2, NM_001366536.2 and 2 more transcripts); c.-178A>G (NM_001288782.1); c.-273A>G (NM_001288783.1); c.415A>G (NM_144596.3); short protein forms I139V, I129V.
Identifiers: ClinVar variation 856237 (VCV000856237.8), dbSNP rs766062841, ClinGen allele CA390574642.

ClinVar aggregate classification (germline): Uncertain significance. Review status: criteria provided, multiple submitters, no conflicts (2 of 4 stars). 3 submissions from 3 submitters: Uncertain significance (3). Last evaluated 2025-10-23.

Conditions:
Inborn genetic diseases. Identifiers: MedGen C0950123, MeSH D030342.
Bardet-Biedl syndrome (BBS). Identifiers: Orphanet 110, MedGen C0752166, MONDO:0015229.
TTC8-related disorder. Also called: TTC8-related condition.

Allele frequency attached by ClinVar (database versions not stated): gnomAD 0.00001; TOPMed 0.00001.
gnomAD v4.1: 2 of 1,614,032 alleles (0.00012%); highest among the groups gnomAD compares: Admixed American, 0.0033%; no homozygotes.

Submissions (3):

Ambry Genetics
Classification: Uncertain significance for Inborn genetic diseases. Last evaluated: 2025-10-23. Review status: criteria provided, single submitter. Criteria: Ambry Variant Classification Scheme 2023. Collection method: clinical testing. Allele origin: germline.

PreventionGenetics, part of Exact Sciences
Classification: Uncertain significance for TTC8-related condition. Last evaluated: 2023-09-25. Review status: criteria provided, single submitter. Criteria: ACMG Guidelines, 2015. Collection method: clinical testing. Allele origin: germline.
Comment: The TTC8 c.415A>G variant is predicted to result in the amino acid substitution p.Ile139Val. To our knowledge, this variant has not been reported in the literature or in a large population database, indicating this variant is rare. At this time, the clinical significance of this variant is uncertain due to the absence of conclusive functional and genetic evidence.

Labcorp Genetics (formerly Invitae), Labcorp
Classification: Uncertain significance for Bardet-Biedl syndrome. Last evaluated: 2022-10-05. Review status: criteria provided, single submitter. Criteria: Invitae Variant Classification Sherloc (09022015). Collection method: clinical testing. Allele origin: germline.
Comment: This variant is not present in population databases (gnomAD no frequency). This sequence change replaces isoleucine, which is neutral and non-polar, with valine, which is neutral and non-polar, at codon 129 of the TTC8 protein (p.Ile129Val). This variant has not been reported in the literature in individuals affected with TTC8-related conditions. In summary, the available evidence is currently insufficient to determine the role of this variant in disease. Therefore, it has been classified as a Variant of Uncertain Significance. Advanced modeling of protein sequence and biophysical properties (such as structural, functional, and spatial information, amino acid conservation, physicochemical variation, residue mobility, and thermodynamic stability) performed at Invitae indicates that this missense variant is not expected to disrupt TTC8 protein function. ClinVar contains an entry for this variant (Variation ID: 856237).